The following is an entry in ClinVar:

NM_005245.4(FAT1):c.8159C>T (p.Thr2720Ile)

Gene: FAT1 (FAT atypical cadherin 1; minus strand). Cytogenetic location: 4q35.2.
Variant type: single nucleotide variant.
Coding change: c.8159C>T on transcript NM_005245.4 (MANE Select); coding-DNA position 8159, C replaced by T.
Protein change: p.Thr2720Ile; replaces threonine 2720 with isoleucine.
Molecular consequence: missense variant.
Genome position (GRCh38, 1-based): chr4:186,618,427, G>A on the plus strand (C>T on the coding strand, the complement: FAT1 is on the minus strand). VCF-style: chr4-186618427-G-A. GRCh37 (hg19) VCF-style: chr4-187539581-G-A.
Other names: short protein forms T2720I.
Identifiers: ClinVar variation 2506605 (VCV002506605.1), dbSNP rs1739835275, ClinGen allele CA358961943.

ClinVar aggregate classification (germline): Uncertain significance (1 of 4 stars; one submission).

Allele frequency attached by ClinVar (database versions not stated): gnomAD exomes 0.00002.
gnomAD v4.1: 15 of 1,614,042 alleles (0.00093%); highest among the groups gnomAD compares: Non-Finnish European, 0.0013%; no homozygotes.

Submission:

GeneDx
Classification: Uncertain significance. Last evaluated: 2022-12-21. Review status: criteria provided, single submitter. Criteria: GeneDx Variant Classification Process June 2021. Collection method: clinical testing. Allele origin: germline. Affected: yes.
Comment: Not observed at significant frequency in large population cohorts (gnomAD); In silico analysis supports that this missense variant has a deleterious effect on protein structure/function; Has not been previously published as pathogenic or benign to our knowledge